The following is an entry in ClinVar:

NM_006767.4(LZTR1):c.917del (p.Thr306fs)

Gene: LZTR1 (leucine zipper like post translational regulator 1; plus strand). Cytogenetic location: 22q11.21.
Variant type: Deletion.
Coding change: c.917del on transcript NM_006767.4 (MANE Select); coding-DNA position 917, one base deleted (C; older notation c.917delC).
Protein change: p.Thr306fs; shifts the reading frame from threonine 306.
Molecular consequence: frameshift variant.
Genome position (GRCh38, 1-based): chr22:20,991,753, C deleted. VCF-style (leftmost placement, unchanged base first): chr22-20991752-AC-A. GRCh37 (hg19) VCF-style: chr22-21346041-AC-A.
Other names: short protein forms T306fs.
Identifiers: ClinVar variation 4101862 (VCV004101862.1).

ClinVar aggregate classification (germline): Pathogenic (1 of 4 stars; one submission).

Conditions:
Cardiovascular phenotype. Identifiers: MedGen CN230736.
Hereditary cancer-predisposing syndrome. Also called: Tumor predisposition; Neoplastic Syndromes, Hereditary; Hereditary neoplastic syndrome; Hereditary Cancer Syndrome. Identifiers: Orphanet 140162, MedGen C0027672, MeSH D009386, MONDO:0015356.

Submission:

Ambry Genetics
Classification: Pathogenic for Cardiovascular phenotype; Hereditary cancer-predisposing syndrome. Last evaluated: 2025-06-23. Review status: criteria provided, single submitter. Criteria: Ambry Variant Classification Scheme 2023. Collection method: clinical testing. Allele origin: germline.
Comment: The c.917delC variant, located in coding exon 9 of the LZTR1 gene, results from a deletion of one nucleotide at nucleotide position 917, causing a translational frameshift with a predicted alternate stop codon (p.T306Sfs*45). This variant is considered to be rare based on population cohorts in the Genome Aggregation Database (gnomAD). Loss-of-function variants in LZTR1 are related to an increased risk for schwannomas and autosomal recessive Noonan syndrome; however, such associations with autosomal dominant Noonan syndrome have not been observed (Piotrowski A et al. Nat Genet. 2014 Feb;46:182-7; Yamamoto GL et al. J Med Genet. 2015 Jun;52:413-21; Johnston JJ et al. Genet Med. 2018 10;20:1175-1185). This alteration is expected to result in loss of function by premature protein truncation or nonsense-mediated mRNA decay. Based on the supporting evidence, this variant is pathogenic or an increased risk of LZTR1-related schwannomatosis (SWN) and would be expected to cause autosomal recessive Noonan syndrome when present along with a second pathogenic or likely pathogenic variant on the other allele; however, the association of this alteration with autosomal dominant Noonan syndrome is unlikely.